The following is an entry in ClinVar:

NM_025243.4(SLC19A3):c.859T>C (p.Phe287Leu)

Gene: SLC19A3 (solute carrier family 19 member 3; minus strand). Cytogenetic location: 2q36.3.
Variant type: single nucleotide variant.
Coding change: c.859T>C on transcript NM_025243.4 (MANE Select); coding-DNA position 859, T replaced by C.
Protein change: p.Phe287Leu; replaces phenylalanine 287 with leucine.
Molecular consequence: missense variant.
Genome position (GRCh38, 1-based): chr2:227,698,856, A>G on the plus strand (T>C on the coding strand, the complement: SLC19A3 is on the minus strand). VCF-style: chr2-227698856-A-G. GRCh37 (hg19) VCF-style: chr2-228563572-A-G.
Other names: c.859T>C, p.Phe287Leu (NM_001371411.1, NM_001371412.1); c.847T>C, p.Phe283Leu (NM_001371413.1, NM_001371414.1); short protein forms F283L, F287L.
Identifiers: ClinVar variation 1997057 (VCV001997057.4), dbSNP rs2470572788, ClinGen allele CA350876309.

ClinVar aggregate classification (germline): Uncertain significance (1 of 4 stars; one submission).

Conditions:
Biotin-responsive basal ganglia disease (BTBGD). Also called: Thiamine metabolism dysfunction syndrome type 2; Thiamine Transporter-2 Deficiency; Thiamine metabolism dysfunction syndrome 2 (biotin- or thiamine-responsive encephalopathy type 2); thiamine-responsive encephalopathy; THIAMINE METABOLISM DYSFUNCTION SYNDROME 2 (BIOTIN- AND THIAMINE-RESPONSIVE TYPE). Identifiers: Orphanet 199348, Orphanet 65284, MedGen C1843807, MONDO:0011841, OMIM 607483.

Submission:

Labcorp Genetics (formerly Invitae), Labcorp
Classification: Uncertain significance for Biotin-responsive basal ganglia disease. Last evaluated: 2022-05-20. Review status: criteria provided, single submitter. Criteria: Invitae Variant Classification Sherloc (09022015). Collection method: clinical testing. Allele origin: germline.
Comment: In summary, the available evidence is currently insufficient to determine the role of this variant in disease. Therefore, it has been classified as a Variant of Uncertain Significance. Advanced modeling of protein sequence and biophysical properties (such as structural, functional, and spatial information, amino acid conservation, physicochemical variation, residue mobility, and thermodynamic stability) performed at Invitae indicates that this missense variant is not expected to disrupt SLC19A3 protein function. This variant has not been reported in the literature in individuals affected with SLC19A3-related conditions. This variant is not present in population databases (gnomAD no frequency). This sequence change replaces phenylalanine, which is neutral and non-polar, with leucine, which is neutral and non-polar, at codon 287 of the SLC19A3 protein (p.Phe287Leu).